The following is an entry in ClinVar:

ClinVar aggregate classification (germline): Uncertain significance (1 of 4 stars; one submission).

Submission:

Women's Health and Genetics/Laboratory Corporation of America, LabCorp
Classification: Uncertain significance. Last evaluated: 2024-07-05. Review status: criteria provided, single submitter. Criteria: LabCorp Variant Classification Summary - May 2015. Collection method: clinical testing. Allele origin: germline.
Comment: Variant summary: EP300 c.6582A>C (p.Gln2194His) results in a non-conservative amino acid change in the encoded protein sequence. Three of five in-silico tools predict a damaging effect of the variant on protein function. The variant was absent in 251370 control chromosomes. The available data on variant occurrences in the general population are insufficient to allow any conclusion about variant significance. To our knowledge, no occurrence of c.6582A>C in individuals affected with Rubinstein-Taybi Syndrome 2 and no experimental evidence demonstrating its impact on protein function have been reported. No submitters have cited clinical-significance assessments for this variant to ClinVar. Based on the evidence outlined above, the variant was classified as uncertain significance.

NM_001429.4(EP300):c.6582A>C (p.Gln2194His)

Gene: EP300 (E1A binding protein p300; plus strand). Cytogenetic location: 22q13.2.
Variant type: single nucleotide variant.
Coding change: c.6582A>C on transcript NM_001429.4 (MANE Select); coding-DNA position 6582, A replaced by C.
Protein change: p.Gln2194His; replaces glutamine 2194 with histidine.
Molecular consequence: missense variant.
Genome position (GRCh38, 1-based): chr22:41,178,293, A>C. VCF-style: chr22-41178293-A-C. GRCh37 (hg19) VCF-style: chr22-41574297-A-C.
Other names: c.6504A>C, p.Gln2168His (NM_001362843.2); short protein forms Q2168H, Q2194H.
Identifiers: ClinVar variation 3339119 (VCV003339119.1).
Genomic context (GRCh38, chr22:41,178,293, plus strand): 5'-CATGCCTTCACAATTCCGAGACATCTTGAGACGACAGCAAATGATGCAACAGCAGCAGCA[A>C]CAGGGAGCAGGGCCAGGAATAGGCCCTGGAATGGCCAACCATAACCAGTTCCAGCAACCC-3'
Protein context (NP_001420.2, residues 2184-2204): RRQQMMQQQQ[Gln2194His]QGAGPGIGPG